The following is an entry in ClinVar:

ClinVar aggregate classification (germline): Uncertain significance (1 of 4 stars; one submission).

Conditions:
Maturity-onset diabetes of the young (MODY). Also called: Maturity onset diabetes mellitus in young. Identifiers: Orphanet 552, MedGen C0342276, MONDO:0018911, HP:0004904.

Submission:

Clinical Genomics, Uppaluri K&H Personalized Medicine Clinic
Classification: Uncertain significance for Maturity-onset diabetes of the young. Review status: criteria provided, single submitter. Criteria: K & H Uppaluri Personalized Medicine Clinic Variant Classification & Assertion Criteria_Updated V.1. Collection method: research. Allele origin: unknown. Inheritance: Autosomal dominant inheritance.
Comment: Potent mutations in HNF4A are associated with poor insulin secretion in response to hyperglycemia. Associated with MODY1. Patients initially respond well to sulfonylureas but eventually become insulin dependent. However, more evidence is required to ascertain the role of this particular variant rs886056697 in MODY, yet.

Literature cited by the submitters: DOI 10.1159/000334532; PubMed 18268044; PubMed 17563455; PubMed 32583173; PubMed 35052457; PubMed 35118593.

NM_175914.5(HNF4A):c.*2698_*2704del

Gene: HNF4A (hepatocyte nuclear factor 4 alpha; plus strand). Cytogenetic location: 20q13.12.
Variant type: Deletion.
Coding change: c.*2698_*2704del on transcript NM_175914.5 (MANE Select); 2698 bases downstream of the stop codon through 2704 bases downstream of the stop codon, 7 bases deleted (TTTTTTG; older notation c.*2698_*2704delTTTTTTG).
Molecular consequence: 3 prime UTR variant.
Genome position (GRCh38, 1-based): chr20:44,432,363-44,432,369, TTTTTTG deleted. VCF-style (leftmost placement, unchanged base first): chr20-44432362-TTTTTTTG-T. GRCh37 (hg19) VCF-style: chr20-43061002-TTTTTTTG-T.
Other names: c.*2698_*2704del (NM_000457.6, NM_001030003.3, NM_001258355.2 and 3 more transcripts).
Identifiers: ClinVar variation 338483 (VCV000338483.6), dbSNP rs886056697, ClinGen allele CA10653134.
Genomic context (GRCh38, chr20:44,432,362, plus strand): 5'-TTTGACTCTAAGCTGACATGATATTAGAAAATCTCTCGCTCTCTTTTTTTTTTTTTTTTT[TTTTTTTG>T]GCTACTTGAGTTGTGGTCCTAAAACATAAAATCTGATGGACAAACAGAGGGTTGCTGGGG-3'